The following is an entry in ClinVar:

NM_001042492.3(NF1):c.189G>C (p.Lys63Asn)

Gene: NF1 (neurofibromin 1; plus strand). Cytogenetic location: 17q11.2.
Variant type: single nucleotide variant.
Coding change: c.189G>C on transcript NM_001042492.3 (MANE Select); coding-DNA position 189, G replaced by C.
Protein change: p.Lys63Asn; replaces lysine 63 with asparagine.
Molecular consequence: missense variant.
Genome position (GRCh38, 1-based): chr17:31,156,111, G>C. VCF-style: chr17-31156111-G-C. GRCh37 (hg19) VCF-style: chr17-29483129-G-C.
Other names: c.189G>C, p.Lys63Asn (NM_000267.4, NM_001128147.3); short protein forms K63N.
Identifiers: ClinVar variation 1498882 (VCV001498882.9), dbSNP rs2143627434, ClinGen allele CA398988713.

ClinVar aggregate classification (germline): Conflicting classifications of pathogenicity. Review status: criteria provided, conflicting classifications (1 of 4 stars). 2 submissions from 2 submitters: Uncertain significance (1); Likely benign (1). Last evaluated 2026-06-12.

Conditions:
Hereditary cancer-predisposing syndrome. Also called: Tumor predisposition; Neoplastic Syndromes, Hereditary; Hereditary Cancer Syndrome; Hereditary neoplastic syndrome. Identifiers: Orphanet 140162, MedGen C0027672, MeSH D009386, MONDO:0015356.
Cardiovascular phenotype. Identifiers: MedGen CN230736.
Neurofibromatosis, type 1 (NF1). Also called: NEUROFIBROMATOSIS, TYPE I, SOMATIC; Peripheral type neurofibromatosis; VON RECKLINGHAUSEN DISEASE; Neurofibromatosis, type I. Identifiers: Orphanet 636, MedGen C0027831, MONDO:0018975, OMIM 162200. Disease mechanism: loss of function.

Submissions (2):

Ambry Genetics
Classification: Likely benign for Cardiovascular phenotype; Hereditary cancer-predisposing syndrome. Last evaluated: 2026-06-12. Review status: criteria provided, single submitter. Criteria: Ambry Variant Classification Scheme 2023. Collection method: clinical testing. Allele origin: germline.

Labcorp Genetics (formerly Invitae), Labcorp
Classification: Uncertain significance for Neurofibromatosis, type 1. Last evaluated: 2024-01-27. Review status: criteria provided, single submitter. Criteria: Invitae Variant Classification Sherloc (09022015). Collection method: clinical testing. Allele origin: germline.
Comment: This sequence change replaces lysine, which is basic and polar, with asparagine, which is neutral and polar, at codon 63 of the NF1 protein (p.Lys63Asn). This variant is not present in population databases (gnomAD no frequency). This variant has not been reported in the literature in individuals affected with NF1-related conditions. ClinVar contains an entry for this variant (Variation ID: 1498882). Advanced modeling of protein sequence and biophysical properties (such as structural, functional, and spatial information, amino acid conservation, physicochemical variation, residue mobility, and thermodynamic stability) has been performed at Invitae for this missense variant, however the output from this modeling did not meet the statistical confidence thresholds required to predict the impact of this variant on NF1 protein function. In summary, the available evidence is currently insufficient to determine the role of this variant in disease. Therefore, it has been classified as a Variant of Uncertain Significance.